The following is an entry in ClinVar:

ClinVar aggregate classification (germline): Pathogenic/Likely pathogenic. Review status: criteria provided, multiple submitters, no conflicts (2 of 4 stars). 2 submissions from 2 submitters: Pathogenic (1); Likely pathogenic (1). Last evaluated 2025-04-17.

Conditions:
Long QT syndrome (LQTS). Identifiers: MedGen C0023976, MeSH D008133, MONDO:0002442. Disease mechanism: loss of function. Inheritance: Various modes of inheritance.

Submissions (2):

Labcorp Genetics (formerly Invitae), Labcorp
Classification: Pathogenic for Long QT syndrome. Last evaluated: 2025-04-17. Review status: criteria provided, single submitter. Criteria: Invitae Variant Classification Sherloc (09022015). Collection method: clinical testing. Allele origin: germline.
Comment: This sequence change creates a premature translational stop signal (p.Gln1008*) in the KCNH2 gene. It is expected to result in an absent or disrupted protein product. Loss-of-function variants in KCNH2 are known to be pathogenic (PMID: 10973849, 19862833). This variant is not present in population databases (gnomAD no frequency). This variant has not been reported in the literature in individuals affected with KCNH2-related conditions. ClinVar contains an entry for this variant (Variation ID: 1968021). For these reasons, this variant has been classified as Pathogenic.

GeneDx
Classification: Likely pathogenic. Last evaluated: 2023-04-06. Review status: criteria provided, single submitter. Criteria: GeneDx Variant Classification Process June 2021. Collection method: clinical testing. Allele origin: germline. Affected: yes.
Comment: Has not been previously published as pathogenic or benign to our knowledge; Not observed at significant frequency in large population cohorts (gnomAD); Nonsense variant predicted to result in protein truncation or nonsense mediated decay in a gene for which loss of function is a known mechanism of disease

Literature cited by the submitters: PubMed 10973849 (cited by Labcorp Genetics (formerly Invitae), Labcorp); PubMed 19862833 (cited by Labcorp Genetics (formerly Invitae), Labcorp).

NM_000238.4(KCNH2):c.3022C>T (p.Gln1008Ter)

Gene: KCNH2 (potassium voltage-gated channel subfamily H member 2; minus strand). Cytogenetic location: 7q36.1.
Variant type: single nucleotide variant.
Coding change: c.3022C>T on transcript NM_000238.4 (MANE Select); coding-DNA position 3022, C replaced by T.
Protein change: p.Gln1008Ter; replaces glutamine 1008 with a stop codon.
Molecular consequence: nonsense.
Genome position (GRCh38, 1-based): chr7:150,947,458, G>A on the plus strand (C>T on the coding strand, the complement: KCNH2 is on the minus strand). VCF-style: chr7-150947458-G-A. GRCh37 (hg19) VCF-style: chr7-150644546-G-A.
Other names: c.2734C>T, p.Gln912Ter (NM_001406753.1); c.2002C>T, p.Gln668Ter (NM_172057.3); c.3022C>T (NM_000238.2); short protein forms Q668*, Q912*, Q1008*.
Identifiers: ClinVar variation 1968021 (VCV001968021.6), dbSNP rs2486005034, ClinGen allele CA369852907.